The following is an entry in ClinVar:

NM_024598.4(USB1):c.49G>C (p.Glu17Gln)

Gene: USB1 (U6 snRNA biogenesis phosphodiesterase 1; plus strand). Cytogenetic location: 16q21.
Variant type: single nucleotide variant.
Coding change: c.49G>C on transcript NM_024598.4 (MANE Select); coding-DNA position 49, G replaced by C.
Protein change: p.Glu17Gln; replaces glutamic acid 17 with glutamine.
Molecular consequence: missense variant. On other transcripts: intron variant (1).
Genome position (GRCh38, 1-based): chr16:58,001,532, G>C. VCF-style: chr16-58001532-G-C. GRCh37 (hg19) VCF-style: chr16-58035436-G-C.
Other names: c.49G>C, p.Glu17Gln (NM_001195302.2, NM_001204911.2, NM_001330569.2); c.-55-947G>C (NM_001330568.2); short protein forms E17Q.
Identifiers: ClinVar variation 3978153 (VCV003978153.1).

ClinVar aggregate classification (germline): Uncertain significance (1 of 4 stars; one submission).

Conditions:
Inborn genetic diseases. Identifiers: MedGen C0950123, MeSH D030342.

gnomAD v4.1: 2 of 1,609,402 alleles (0.00012%); highest among the groups gnomAD compares: Non-Finnish European, 0.000085%; no homozygotes.

Submission:

Ambry Genetics
Classification: Uncertain significance for Inborn genetic diseases. Last evaluated: 2025-04-09. Review status: criteria provided, single submitter. Criteria: Ambry Variant Classification Scheme 2023. Collection method: clinical testing. Allele origin: germline.
Comment: The p.E17Q variant (also known as c.49G>C), located in coding exon 1 of the USB1 gene, results from a G to C substitution at nucleotide position 49. The glutamic acid at codon 17 is replaced by glutamine, an amino acid with highly similar properties. This amino acid position is conserved. In addition, this alteration is predicted to be tolerated by in silico analysis. Based on the available evidence, the clinical significance of this variant remains unclear.